The following is an entry in ClinVar:

NM_000038.6(APC):c.8231del (p.Asn2744fs)

Gene: APC (APC regulator of Wnt signaling pathway; plus strand). Cytogenetic location: 5q22.2.
Variant type: Deletion.
Coding change: c.8231del on transcript NM_000038.6 (MANE Select); coding-DNA position 8231, one base deleted (A; older notation c.8231delA).
Protein change: p.Asn2744fs; shifts the reading frame from asparagine 2744.
Molecular consequence: frameshift variant. On other transcripts: non-coding transcript variant (2).
Genome position (GRCh38, 1-based): chr5:112,843,825, A deleted; the last of 2 consecutive A bases (chr5:112,843,824-112,843,825); deleting either gives the same sequence. VCF-style (leftmost placement, unchanged base first): chr5-112843823-TA-T. GRCh37 (hg19) VCF-style: chr5-112179520-TA-T.
Other names: c.8231del, p.Asn2744fs (NM_001127510.3, NM_001354895.2, NM_001407450.1); c.8177del, p.Asn2726fs (NM_001127511.3); c.8285del, p.Asn2762fs (NM_001354896.2, NM_001407447.1, NM_001407448.1 and 1 more transcripts); c.8261del, p.Asn2754fs (NM_001354897.2); c.8156del, p.Asn2719fs (NM_001354898.2); c.8147del, p.Asn2716fs (NM_001354899.2); c.8108del, p.Asn2703fs (NM_001354900.2); c.8054del, p.Asn2685fs (NM_001354901.2, NM_001407453.1); and 11 more; short protein forms N2461fs, N2584fs, N2716fs, N2726fs, N2734fs, N2754fs, N2762fs, N2653fs.
Identifiers: ClinVar variation 2755059 (VCV002755059.3), dbSNP rs2533853611, ClinGen allele CA2697546417.
Genomic context (GRCh38, chr5:112,843,823, plus strand): 5'-CTCCTTTATTCAGGTGGATGCCCCTGACCAAAAAGGAACTGAGATAAAACCAGGACAAAA[TA>T]ATCCTGTCCCTGTATCAGAGACTAATGAAAGTTCTATAGTGGAACGTACCCCATTCAGTT-3'

ClinVar aggregate classification (germline): Uncertain significance (1 of 4 stars; one submission).

Conditions:
Familial adenomatous polyposis 1 (FAP1). Also called: POLYPOSIS, ADENOMATOUS INTESTINAL; FAMILIAL ADENOMATOUS POLYPOSIS 1, ATTENUATED. Identifiers: MedGen C2713442, MONDO:0021056, OMIM 175100. Disease mechanism: loss of function.

Submission:

Labcorp Genetics (formerly Invitae), Labcorp
Classification: Uncertain significance for Familial adenomatous polyposis 1. Last evaluated: 2023-08-25. Review status: criteria provided, single submitter. Criteria: Invitae Variant Classification Sherloc (09022015). Collection method: clinical testing. Allele origin: germline.
Comment: In summary, the available evidence is currently insufficient to determine the role of this variant in disease. Therefore, it has been classified as a Variant of Uncertain Significance. This variant disrupts a region of the APC protein in which other variant(s) (p.Arg2780*) have been observed in individuals with APC-related conditions (Invitae). This suggests that this is a clinically significant region of the protein, and that variants that disrupt it are likely to be disease-causing. This variant has not been reported in the literature in individuals affected with APC-related conditions. This variant is not present in population databases (gnomAD no frequency). This sequence change creates a premature translational stop signal (p.Asn2744Ilefs*13) in the APC gene. While this is not anticipated to result in nonsense mediated decay, it is expected to disrupt the last 100 amino acid(s) of the APC protein.